The following is an entry in ClinVar:

ClinVar aggregate classification (germline): Uncertain significance (1 of 4 stars; one submission).

Submission:

GeneDx
Classification: Uncertain significance. Last evaluated: 2024-04-13. Review status: criteria provided, single submitter. Criteria: GeneDx Variant Classification Process June 2021. Collection method: clinical testing. Allele origin: germline. Affected: yes.
Comment: Not observed at significant frequency in large population cohorts (gnomAD); Frameshift variant predicted to result in abnormal protein length as the last 73 amino acids are replaced with 36 different amino acids; Has not been previously published as pathogenic or benign to our knowledge

NM_001009999.3(KDM1A):c.2411del (p.Ile804fs)

Gene: KDM1A (lysine demethylase 1A; plus strand). Cytogenetic location: 1p36.12.
Variant type: Deletion.
Coding change: c.2411del on transcript NM_001009999.3 (MANE Select); coding-DNA position 2411, one base deleted (T; older notation c.2411delT).
Protein change: p.Ile804fs; shifts the reading frame from isoleucine 804.
Molecular consequence: frameshift variant.
Genome position (GRCh38, 1-based): chr1:23,082,332, T deleted. VCF-style (leftmost placement, unchanged base first): chr1-23082331-AT-A. GRCh37 (hg19) VCF-style: chr1-23408824-AT-A.
Other names: c.2357del, p.Ile786fs (NM_001363654.2); c.2417del, p.Ile806fs (NM_001410762.1); c.2339del, p.Ile780fs (NM_001410763.1, NM_015013.4); short protein forms I780fs, I786fs, I804fs, I806fs.
Identifiers: ClinVar variation 3371823 (VCV003371823.1).
Genomic context (GRCh38, chr1:23,082,331, plus strand): 5'-TCTTATTCCTATGTTGCTGCAGGATCATCTGGAAATGACTATGATTTAATGGCTCAGCCA[AT>A]CACTCCTGGCCCCTCGATTCCAGGTGCCCCACAGGTGAGAAGCTGGCAAACTATCTGGGC-3'